The following is an entry in ClinVar:

NM_004991.4(MECOM):c.1823A>C (p.Asp608Ala)

Gene: MECOM (MDS1 and EVI1 complex locus; minus strand). Cytogenetic location: 3q26.2.
Variant type: single nucleotide variant.
Coding change: c.1823A>C on transcript NM_004991.4 (MANE Select); coding-DNA position 1823, A replaced by C.
Protein change: p.Asp608Ala; replaces aspartic acid 608 with alanine.
Molecular consequence: missense variant. On other transcripts: intron variant (2).
Genome position (GRCh38, 1-based): chr3:169,116,049, T>G on the plus strand (A>C on the coding strand, the complement: MECOM is on the minus strand). VCF-style: chr3-169116049-T-G. GRCh37 (hg19) VCF-style: chr3-168833837-T-G.
Other names: c.1454A>C, p.Asp485Ala (NM_001105077.4); c.1259A>C, p.Asp420Ala (NM_001105078.4, NM_001164000.2, NM_001205194.2 and 4 more transcripts); c.1262A>C, p.Asp421Ala (NM_001163999.2, NM_001366467.2, NM_001366468.2 and 1 more transcripts); c.1823A>C, p.Asp608Ala (NM_001366466.2); c.1133-282A>C (NM_001366473.2); c.569-282A>C (NM_001366474.2); short protein forms D420A, D421A, D485A, D608A.
Identifiers: ClinVar variation 4859698 (VCV004859698.1).

ClinVar aggregate classification (germline): Uncertain significance (1 of 4 stars; one submission).

Conditions:
Inborn genetic diseases. Identifiers: MedGen C0950123, MeSH D030342.

Submission:

Ambry Genetics
Classification: Uncertain significance for Inborn genetic diseases. Last evaluated: 2026-03-20. Review status: criteria provided, single submitter. Criteria: Ambry Variant Classification Scheme 2023. Collection method: clinical testing. Allele origin: germline.
Comment: The p.D608A variant (also known as c.1823A>C), located in coding exon 8 of the MECOM gene, results from an A to C substitution at nucleotide position 1823. The aspartic acid at codon 608 is replaced by alanine, an amino acid with dissimilar properties. This amino acid position is conserved. In addition, this alteration is predicted to be tolerated by in silico analysis. Based on the available evidence, the clinical significance of this variant remains unclear.